The following is an entry in ClinVar:

NM_031421.5(ODAD4):c.1221C>T (p.Tyr407=)

Gene: ODAD4 (outer dynein arm docking complex subunit 4; plus strand). Cytogenetic location: 17q21.2.
Variant type: single nucleotide variant.
Coding change: c.1221C>T on transcript NM_031421.5 (MANE Select); coding-DNA position 1221, C replaced by T.
Protein change: p.Tyr407=; no amino-acid change (tyrosine 407 retained).
Molecular consequence: synonymous variant. On other transcripts: non-coding transcript variant (3).
Genome position (GRCh38, 1-based): chr17:41,949,228, C>T. VCF-style: chr17-41949228-C-T.
Other names: c.1221C>T, p.Tyr407= (NM_001350319.2).
Identifiers: ClinVar variation 3049556 (VCV003049556.1), dbSNP rs2544724572, ClinGen allele CA2740095339.

ClinVar aggregate classification (germline): Likely benign (1 of 4 stars; one submission).

Conditions:
ODAD4-related disorder. Also called: ODAD4-related condition.

Submission:

PreventionGenetics, part of Exact Sciences
Classification: Likely benign for ODAD4-related condition. Last evaluated: 2019-07-15. Review status: criteria provided, single submitter. Criteria: ACMG Guidelines, 2015. Collection method: clinical testing. Allele origin: germline.
Comment: This variant is classified as likely benign based on ACMG/AMP sequence variant interpretation guidelines (Richards et al. 2015 PMID: 25741868, with internal and published modifications).